The following is an entry in ClinVar:

ClinVar aggregate classification (germline): Uncertain significance (1 of 4 stars; one submission).

Submission:

Women's Health and Genetics/Laboratory Corporation of America, LabCorp
Classification: Uncertain significance. Last evaluated: 2024-08-22. Review status: criteria provided, single submitter. Criteria: LabCorp Variant Classification Summary - May 2015. Collection method: clinical testing. Allele origin: germline.
Comment: Variant summary: SLC5A7 c.1726G>T (p.Glu576X) results in a premature termination codon, predicted to cause a truncation of the encoded protein, however nonsense mediated decay is not predicted. Current evidence is not sufficient to establish loss of function as a mechanism for disease. The variant was absent in 217102 control chromosomes. The available data on variant occurrences in the general population are insufficient to allow any conclusion about variant significance. To our knowledge, no occurrence of c.1726G>T in individuals affected with SLC5A7-Related Disorders and no experimental evidence demonstrating its impact on protein function have been reported. ClinVar contains an entry for this variant (Variation ID: 2573603). Based on the evidence outlined above, the variant was classified as uncertain significance.

NM_021815.5(SLC5A7):c.1726G>T (p.Glu576Ter)

Gene: SLC5A7 (solute carrier family 5 member 7; plus strand). Cytogenetic location: 2q12.3.
Variant type: single nucleotide variant.
Coding change: c.1726G>T on transcript NM_021815.5 (MANE Select); coding-DNA position 1726, G replaced by T.
Protein change: p.Glu576Ter; replaces glutamic acid 576 with a stop codon.
Molecular consequence: nonsense.
Genome position (GRCh38, 1-based): chr2:108,010,844, G>T. VCF-style: chr2-108010844-G-T. GRCh37 (hg19) VCF-style: chr2-108627300-G-T.
Other names: c.1726G>T, p.Glu576Ter (NM_001305005.3); c.1411G>T, p.Glu471Ter (NM_001305006.3); c.985G>T, p.Glu329Ter (NM_001305007.3); short protein forms E329*, E471*, E576*.
Identifiers: ClinVar variation 2573603 (VCV002573603.3), dbSNP rs763725923, ClinGen allele CA348115213.
Genomic context (GRCh38, chr2:108,010,844, plus strand): 5'-ACTTTCACCAATAAAGAGGCCTTCCTTGATGTTGATTCCAGTCCAGAAGGGTCTGGGACT[G>T]AAGATAATTTACAGTGACCCCATCTAAATAAAATACTGCTTTTGCAAACAGAACACTGTA-3'